The following is an entry in ClinVar:

NM_004177.5(STX3):c.44A>G (p.Gln15Arg)

Gene: STX3 (syntaxin 3; plus strand). Cytogenetic location: 11q12.1.
Variant type: single nucleotide variant.
Coding change: c.44A>G on transcript NM_004177.5 (MANE Select); coding-DNA position 44, A replaced by G.
Protein change: p.Gln15Arg; replaces glutamine 15 with arginine.
Molecular consequence: missense variant.
Genome position (GRCh38, 1-based): chr11:59,773,224, A>G. VCF-style: chr11-59773224-A-G. GRCh37 (hg19) VCF-style: chr11-59540697-A-G.
Other names: c.44A>G, p.Gln15Arg (NM_001178040.3); short protein forms Q15R.
Identifiers: ClinVar variation 787544 (VCV000787544.36), dbSNP rs2229915, ClinGen allele CA6020718.

ClinVar aggregate classification (germline): Conflicting classifications of pathogenicity. Review status: criteria provided, conflicting classifications (1 of 4 stars). 5 submissions from 5 submitters: Uncertain significance (1); Likely benign (4). Last evaluated 2026-02-02.

Conditions:
Inborn genetic diseases. Identifiers: MedGen C0950123, MeSH D030342.

Allele frequency attached by ClinVar (database versions not stated): ExAC 0.00322; gnomAD exomes 0.00335 and 0.00441; TOPMed 0.00470; 1000 Genomes Project 0.00499; gnomAD 0.00500 and 0.00529; 1000 Genomes Project 30x 0.00515; ESP Exome Variant Server 0.00523.
gnomAD v4.1: 7,210 of 1,614,176 alleles (0.45%); highest among the groups gnomAD compares: African/African-American, 0.89%; 35 homozygotes.

Submissions (5):

Labcorp Genetics (formerly Invitae), Labcorp
Classification: Likely benign. Last evaluated: 2026-02-02. Review status: criteria provided, single submitter. Criteria: Invitae Variant Classification Sherloc (09022015). Collection method: clinical testing. Allele origin: germline.

Ambry Genetics
Classification: Uncertain significance for Inborn genetic diseases. Last evaluated: 2025-09-09. Review status: criteria provided, single submitter. Criteria: Ambry Variant Classification Scheme 2023. Collection method: clinical testing. Allele origin: germline.

Genomic Medicine Center of Excellence, King Faisal Specialist Hospital and Research Centre
Classification: Likely benign. Last evaluated: 2025-08-18. Review status: criteria provided, single submitter. Criteria: ACMG Guidelines, 2015. Collection method: clinical testing. Allele origin: germline.

CeGaT Center for Human Genetics Tuebingen
Classification: Likely benign. Last evaluated: 2025-06-01. Review status: criteria provided, single submitter. Criteria: CeGaT Center For Human Genetics Tuebingen Variant Classification Criteria Version 2. Collection method: clinical testing. Allele origin: germline. Affected: yes. Observed: 3 variant alleles.
Comment: STX3: BS2

Blueprint Genetics
Classification: Likely benign. Last evaluated: 2024-11-21. Review status: criteria provided, single submitter. Criteria: ACMG Guidelines, 2015. Collection method: clinical testing. Allele origin: germline.